The following is an entry in ClinVar:

NM_177438.3(DICER1):c.62C>T (p.Ser21Phe)

Gene: DICER1 (dicer 1, ribonuclease III; minus strand). Cytogenetic location: 14q32.13.
Variant type: single nucleotide variant.
Coding change: c.62C>T on transcript NM_177438.3 (MANE Select); coding-DNA position 62, C replaced by T.
Protein change: p.Ser21Phe; replaces serine 21 with phenylalanine.
Molecular consequence: missense variant.
Genome position (GRCh38, 1-based): chr14:95,133,397, G>A on the plus strand (C>T on the coding strand, the complement: DICER1 is on the minus strand). VCF-style: chr14-95133397-G-A. GRCh37 (hg19) VCF-style: chr14-95599734-G-A.
Other names: c.62C>T, p.Ser21Phe (NM_001195573.1, NM_001271282.3, NM_001291628.2 and 1 more transcripts); short protein forms S21F.
Identifiers: ClinVar variation 1019633 (VCV001019633.11), dbSNP rs1289924579, ClinGen allele CA390890625.

ClinVar aggregate classification (germline): Uncertain significance. Review status: criteria provided, multiple submitters, no conflicts (2 of 4 stars). 3 submissions from 3 submitters: Uncertain significance (3). Last evaluated 2025-08-24.

Conditions:
Hereditary cancer-predisposing syndrome. Also called: Hereditary neoplastic syndrome; Neoplastic Syndromes, Hereditary; Tumor predisposition; Hereditary Cancer Syndrome. Identifiers: Orphanet 140162, MedGen C0027672, MeSH D009386, MONDO:0015356.
DICER1-related tumor predisposition. Also called: DICER1 syndrome; DICER1-related pleuropulmonary blastoma cancer predisposition syndrome. Identifiers: Orphanet 284343, MedGen C3839822, MONDO:0100216.

Allele frequency attached by ClinVar (database versions not stated): gnomAD exomes below 0.00001.
gnomAD v4.1: 1 of 1,614,080 alleles (0.000062%); highest among the groups gnomAD compares: Non-Finnish European, 0.000085%; no homozygotes.

Submissions (3):

Labcorp Genetics (formerly Invitae), Labcorp
Classification: Uncertain significance for DICER1-related tumor predisposition. Last evaluated: 2025-08-24. Review status: criteria provided, single submitter. Criteria: Invitae Variant Classification Sherloc (09022015). Collection method: clinical testing. Allele origin: germline.
Comment: This sequence change replaces serine, which is neutral and polar, with phenylalanine, which is neutral and non-polar, at codon 21 of the DICER1 protein (p.Ser21Phe). This variant is present in population databases (no rsID available, gnomAD 0.0009%). This variant has not been reported in the literature in individuals affected with DICER1-related conditions. ClinVar contains an entry for this variant (Variation ID: 1019633). Invitae Evidence Modeling of protein sequence and biophysical properties (such as structural, functional, and spatial information, amino acid conservation, physicochemical variation, residue mobility, and thermodynamic stability) indicates that this missense variant is not expected to disrupt DICER1 protein function with a negative predictive value of 95%. In summary, the available evidence is currently insufficient to determine the role of this variant in disease. Therefore, it has been classified as a Variant of Uncertain Significance.

Ambry Genetics
Classification: Uncertain significance for Hereditary cancer-predisposing syndrome. Last evaluated: 2024-02-07. Review status: criteria provided, single submitter. Criteria: Ambry Variant Classification Scheme 2023. Collection method: clinical testing. Allele origin: germline.
Comment: The p.S21F variant (also known as c.62C>T), located in coding exon 1 of the DICER1 gene, results from a C to T substitution at nucleotide position 62. The serine at codon 21 is replaced by phenylalanine, an amino acid with highly dissimilar properties. This amino acid position is well conserved in available vertebrate species. In addition, the in silico prediction for this alteration is inconclusive. Since supporting evidence is limited at this time, the clinical significance of this alteration remains unclear.

Quest Diagnostics Nichols Institute San Juan Capistrano
Classification: Uncertain significance. Last evaluated: 2022-10-12. Review status: criteria provided, single submitter. Criteria: Quest Diagnostics criteria. Collection method: clinical testing. Allele origin: unknown.
Comment: The variant has not been reported in the published literature. The frequency of this variant in the general population, 0.000004 (1/248956 chromosomes), is uninformative in assessment of its pathogenicity. Analysis of this variant using bioinformatics tools for the prediction of the effect of amino acid changes on protein structure and function yielded conflicting predictions that this variant is benign or damaging. Based on the available information, we are unable to determine the clinical significance of this variant.